The following is an entry in ClinVar:

ClinVar aggregate classification (germline): Uncertain significance (1 of 4 stars; one submission).

Conditions:
Glycogen storage disease, type II (IOPD). Also called: GLYCOGENOSIS, GENERALIZED, CARDIAC FORM; GSD II; Glucosidase acid-1,4-alpha deficiency; Pompe Disease; POMPE DISEASE, INFANTILE-ONSET; GLYCOGEN STORAGE DISEASE II, INFANTILE-ONSET. Identifiers: Orphanet 365, MedGen C0017921, MONDO:0009290, OMIM 232300.

Allele frequency attached by ClinVar (database versions not stated): gnomAD 0.00001.
gnomAD v4.1: 1 of 1,613,362 alleles (0.000062%); highest among the groups gnomAD compares: South Asian, 0.0011%; no homozygotes.

Submission:

Labcorp Genetics (formerly Invitae), Labcorp
Classification: Uncertain significance for Glycogen storage disease, type II. Last evaluated: 2021-12-08. Review status: criteria provided, single submitter. Criteria: Invitae Variant Classification Sherloc (09022015). Collection method: clinical testing. Allele origin: germline.
Comment: This sequence change replaces valine, which is neutral and non-polar, with alanine, which is neutral and non-polar, at codon 350 of the GAA protein (p.Val350Ala). This variant is not present in population databases (gnomAD no frequency). This variant has not been reported in the literature in individuals affected with GAA-related conditions. Advanced modeling of protein sequence and biophysical properties (such as structural, functional, and spatial information, amino acid conservation, physicochemical variation, residue mobility, and thermodynamic stability) performed at Invitae indicates that this missense variant is expected to disrupt GAA protein function. In summary, the available evidence is currently insufficient to determine the role of this variant in disease. Therefore, it has been classified as a Variant of Uncertain Significance.

NM_000152.5(GAA):c.1049T>C (p.Val350Ala)

Gene: GAA (alpha glucosidase; plus strand). Cytogenetic location: 17q25.3.
Variant type: single nucleotide variant.
Coding change: c.1049T>C on transcript NM_000152.5 (MANE Select); coding-DNA position 1049, T replaced by C.
Protein change: p.Val350Ala; replaces valine 350 with alanine.
Molecular consequence: missense variant.
Genome position (GRCh38, 1-based): chr17:80,108,383, T>C. VCF-style: chr17-80108383-T-C. GRCh37 (hg19) VCF-style: chr17-78082182-T-C.
Other names: c.1049T>C, p.Val350Ala (NM_001079803.3, NM_001079804.3); short protein forms V350A.
Identifiers: ClinVar variation 1500692 (VCV001500692.3), dbSNP rs2039144934, ClinGen allele CA401364734.